The following is an entry in ClinVar:

NM_153717.3(EVC):c.2689-7_2693del

Gene: EVC (EvC ciliary complex subunit 1; plus strand). Cytogenetic location: 4p16.2.
Variant type: Deletion.
Coding change: c.2689-7_2693del on transcript NM_153717.3 (MANE Select); 7 bases into the intron before coding-DNA position 2689 through coding-DNA position 2693, 12 bases deleted (ATTTCAGGAAGC).
Molecular consequence: splice acceptor variant.
Genome position (GRCh38, 1-based): chr4:5,809,511-5,809,522, ATTTCAGGAAGC deleted; deleting any 12 consecutive bases within chr4:5,809,509-5,809,522 gives the same sequence; the c. name uses the placement nearest the transcript's 3' end. VCF-style (leftmost placement, unchanged base first): chr4-5809508-TGCATTTCAGGAA-T. GRCh37 (hg19) VCF-style: chr4-5811235-TGCATTTCAGGAA-T.
Other names: c.2689-7_2693del (NM_001306090.2).
Identifiers: ClinVar variation 4816934 (VCV004816934.1).

ClinVar aggregate classification (germline): Likely pathogenic (1 of 4 stars; one submission).

Conditions:
Ellis-van Creveld syndrome (EVC). Also called: Chondroectodermal dysplasia; EVC-Related Ellis-van Creveld Syndrome; EVC2-Related Ellis-van Creveld Syndrome; MESOECTODERMAL DYSPLASIA. Identifiers: Orphanet 289, MedGen C0013903, MONDO:0009162, OMIM 225500.

Submission:

Natera, Inc.
Classification: Likely pathogenic for Ellis-van Creveld syndrome. Last evaluated: 2025-06-25. Review status: criteria provided, single submitter. Criteria: Natera Variant Classification Schema (03/2026). Collection method: clinical testing. Allele origin: germline.
Comment: The c.2689-7_2693del variant in EVC is a deletion affecting a canonical splice acceptor site. This variant is expected to result in nonsense mediated decay, truncation, or a dysfunctional protein product. This variant is rare in the general population with a frequency below the threshold expected for the associated phenotype(s). Given the available evidence, this variant is classified as Likely Pathogenic.